The following is an entry in ClinVar:

NM_001122630.2(CDKN1C):c.884C>A (p.Ser295Ter)

Gene: CDKN1C (cyclin dependent kinase inhibitor 1C; minus strand). Cytogenetic location: 11p15.4.
Variant type: single nucleotide variant.
Coding change: c.884C>A on transcript NM_001122630.2 (MANE Select); coding-DNA position 884, C replaced by A.
Protein change: p.Ser295Ter; replaces serine 295 with a stop codon.
Molecular consequence: nonsense. On other transcripts: synonymous variant (1).
Genome position (GRCh38, 1-based): chr11:2,884,038, G>T on the plus strand (C>A on the coding strand, the complement: CDKN1C is on the minus strand). VCF-style: chr11-2884038-G-T. GRCh37 (hg19) VCF-style: chr11-2905268-G-T.
Other names: c.917C>A, p.Ser306Ter (NM_000076.2, NM_001362474.2); c.884C>A, p.Ser295Ter (NM_001122631.2); c.352C>A, p.Arg118= (NM_001362475.2); short protein forms S295*, S306*.
Identifiers: ClinVar variation 1810670 (VCV001810670.1), dbSNP rs750876855, ClinGen allele CA379144753.
Genomic context (GRCh38, chr11:2,884,038, plus strand): 5'-CCCCAGGTGCGCTGTACTCACTTGGCTCACCGCAGCCTCTTGCGCGGGGTCTGCTCCACC[G>T]AGCCCACGCCAGGGGCGGCGCTTGGAGAGGGACACGGCGCGGGGACATCGCCCGACGACT-3'

ClinVar aggregate classification (germline): Uncertain significance (1 of 4 stars; one submission).

Submission:

GeneDx
Classification: Uncertain significance. Last evaluated: 2022-07-08. Review status: criteria provided, single submitter. Criteria: GeneDx Variant Classification Process June 2021. Collection method: clinical testing. Allele origin: germline. Affected: yes.
Comment: Nonsense variant predicted to result in protein truncation as the last 11 amino acids are lost, although loss-of-function variants have not been reported downstream of this position in the protein; Not observed at significant frequency in large population cohorts (gnomAD); Has not been previously published as pathogenic or benign to our knowledge